The following is an entry in ClinVar:

NM_000455.5(STK11):c.598-7_607dup

Gene: STK11 (serine/threonine kinase 11; plus strand). Cytogenetic location: 19p13.3.
Variant type: Duplication.
Coding change: c.598-7_607dup on transcript NM_000455.5 (MANE Select); 7 bases into the intron before coding-DNA position 598 through coding-DNA position 607, 17 bases duplicated (GCCACAGGCACTGCACC).
Molecular consequence: splice acceptor variant.
Genome position (GRCh38, 1-based): chr19:1,220,574-1,220,590, GCCACAGGCACTGCACC duplicated; duplicating any 17 consecutive bases within chr19:1,220,569-1,220,590 gives the same sequence; the c. name uses the placement nearest the transcript's 3' end. VCF-style (leftmost placement, unchanged base first): chr19-1220568-G-GGCACCGCCACAGGCACT. GRCh37 (hg19) VCF-style: chr19-1220567-G-GGCACCGCCACAGGCACT.
Other names: c.598-7_607dup17 (NM_000455.5); c.598-7_607dup (NM_001407255.1).
Identifiers: ClinVar variation 3769312 (VCV003769312.2).

ClinVar aggregate classification (germline): Likely pathogenic (1 of 4 stars; one submission).

Conditions:
Peutz-Jeghers syndrome (PJS). Also called: POLYPOSIS, HAMARTOMATOUS INTESTINAL; POLYPS-AND-SPOTS SYNDROME; Peutz-Jeghers polyposis; Periorificial lentiginosis syndrome. Identifiers: Orphanet 2869, MedGen C0031269, MeSH D010580, MONDO:0008280, OMIM 175200.

Submission:

Women's Health and Genetics/Laboratory Corporation of America, LabCorp
Classification: Likely pathogenic for Peutz-Jeghers syndrome. Last evaluated: 2025-01-02. Review status: criteria provided, single submitter. Criteria: LabCorp Variant Classification Summary - May 2015. Collection method: clinical testing. Allele origin: germline.
Comment: Variant summary: STK11 c.598-7_607dup17 causes a duplication spanning a canonical splice-site and is predicted to affect mRNA splicing resulting in a significantly altered protein due to either exon skipping, shortening, or inclusion of intronic material. Variants that disrupt the consensus splice site are a relatively common cause of aberrant splicing and loss of STK11 function. Computational tools predict a significant impact on normal splicing: Three predict the variant creates a 3' acceptor site. The frequency data for this variant in gnomAD is considered unreliable, as metrics indicate poor data quality at this position. To our knowledge, no occurrence of c.598-7_607dup17 in individuals affected with Peutz-Jeghers Syndrome and no experimental evidence demonstrating its impact on protein function have been reported. No submitters have cited clinical-significance assessments for this variant to ClinVar. Based on the evidence outlined above, the variant was classified as likely pathogenic.